The following is an entry in ClinVar:

NM_001365999.1(SZT2):c.6877+20_6877+36del

Gene: SZT2 (SZT2 subunit of KICSTOR complex; plus strand). Cytogenetic location: 1p34.2.
Variant type: Deletion.
Coding change: c.6877+20_6877+36del on transcript NM_001365999.1 (MANE Select); bases 20 to 36 of the intron after coding-DNA position 6877, 17 bases deleted (CCTGTGGCACCACCAGG).
Molecular consequence: intron variant.
Genome position (GRCh38, 1-based): chr1:43,439,462-43,439,478, CCTGTGGCACCACCAGG deleted; deleting any 17 consecutive bases within chr1:43,439,460-43,439,478 gives the same sequence; the c. name uses the placement nearest the transcript's 3' end. VCF-style (leftmost placement, unchanged base first): chr1-43439459-GGGCCTGTGGCACCACCA-G. GRCh37 (hg19) VCF-style: chr1-43905130-GGGCCTGTGGCACCACCA-G.
Other names: c.6706+20_6706+36del (NM_015284.4).
Identifiers: ClinVar variation 1426903 (VCV001426903.8), dbSNP rs1654827094, ClinGen allele CA1001103890.

ClinVar aggregate classification (germline): Uncertain significance (1 of 4 stars; one submission).

Submission:

Labcorp Genetics (formerly Invitae), Labcorp
Classification: Uncertain significance. Last evaluated: 2023-03-09. Review status: criteria provided, single submitter. Criteria: Invitae Variant Classification Sherloc (09022015). Collection method: clinical testing. Allele origin: germline.
Comment: This variant has not been reported in the literature in individuals affected with SZT2-related conditions. This variant is not present in population databases (gnomAD no frequency). This sequence change falls in intron 48 of the SZT2 gene. It does not directly change the encoded amino acid sequence of the SZT2 protein. ClinVar contains an entry for this variant (Variation ID: 1426903). In summary, the available evidence is currently insufficient to determine the role of this variant in disease. Therefore, it has been classified as a Variant of Uncertain Significance. Algorithms developed to predict the effect of sequence changes on RNA splicing suggest that this variant may disrupt the consensus splice site.